The following is an entry in ClinVar:

ClinVar aggregate classification (germline): Uncertain significance. Review status: criteria provided, multiple submitters, no conflicts (2 of 4 stars). 2 submissions from 2 submitters: Uncertain significance (2). Last evaluated 2025-08-21.

Conditions:
Inborn genetic diseases. Identifiers: MedGen C0950123, MeSH D030342.
Brown-Vialetto-van Laere syndrome 2. Also called: SPINOCEREBELLAR ATAXIA WITH BLINDNESS AND DEAFNESS 2; Riboflavin transporter deficiency type 2. Identifiers: Orphanet 572543, Orphanet 97229, MedGen C3553538, MONDO:0013867, OMIM 614707.

Allele frequency attached by ClinVar (database versions not stated): TOPMed below 0.00001; ExAC 0.00001; gnomAD exomes 0.00001.
gnomAD v4.1: 5 of 1,613,268 alleles (0.00031%); highest among the groups gnomAD compares: Admixed American, 0.0067%; no homozygotes.

Submissions (2):

Labcorp Genetics (formerly Invitae), Labcorp
Classification: Uncertain significance for Brown-Vialetto-van Laere syndrome 2. Last evaluated: 2025-08-21. Review status: criteria provided, single submitter. Criteria: Invitae Variant Classification Sherloc (09022015). Collection method: clinical testing. Allele origin: germline.
Comment: This sequence change replaces alanine, which is neutral and non-polar, with threonine, which is neutral and polar, at codon 411 of the SLC52A2 protein (p.Ala411Thr). This variant is present in population databases (rs782417765, gnomAD 0.003%). This variant has not been reported in the literature in individuals affected with SLC52A2-related conditions. ClinVar contains an entry for this variant (Variation ID: 1427012). An algorithm developed to predict the effect of missense changes on protein structure and function outputs the following: PolyPhen-2: "Benign". The threonine amino acid residue is found in multiple mammalian species, which suggests that this missense change does not adversely affect protein function. In summary, the available evidence is currently insufficient to determine the role of this variant in disease. Therefore, it has been classified as a Variant of Uncertain Significance.

Ambry Genetics
Classification: Uncertain significance for Inborn genetic diseases. Last evaluated: 2025-04-02. Review status: criteria provided, single submitter. Criteria: Ambry Variant Classification Scheme 2023. Collection method: clinical testing. Allele origin: germline.

NM_001363118.2(SLC52A2):c.1231G>A (p.Ala411Thr)

Gene: SLC52A2 (solute carrier family 52 member 2; plus strand). Cytogenetic location: 8q24.3.
Variant type: single nucleotide variant.
Coding change: c.1231G>A on transcript NM_001363118.2 (MANE Select); coding-DNA position 1231, G replaced by A.
Protein change: p.Ala411Thr; replaces alanine 411 with threonine.
Molecular consequence: missense variant. On other transcripts: non-coding transcript variant (1).
Genome position (GRCh38, 1-based): chr8:144,360,908, G>A. VCF-style: chr8-144360908-G-A. GRCh37 (hg19) VCF-style: chr8-145584568-G-A.
Other names: c.1231G>A, p.Ala411Thr (NM_001253815.2, NM_001253816.2, NM_001363120.2 and 2 more transcripts); c.739G>A, p.Ala247Thr (NM_001363122.2); c.1231G>A (NM_024531.3); short protein forms A411T, A247T.
Identifiers: ClinVar variation 1427012 (VCV001427012.7), dbSNP rs782417765, ClinGen allele CA4938443.